The following is an entry in ClinVar:

NM_018486.3(HDAC8):c.364del (p.Ala122fs)

Gene: HDAC8 (histone deacetylase 8; minus strand). Cytogenetic location: Xq13.1.
Variant type: Deletion.
Coding change: c.364del on transcript NM_018486.3 (MANE Select); coding-DNA position 364, one base deleted (G; older notation c.364delG).
Protein change: p.Ala122fs; shifts the reading frame from alanine 122.
Molecular consequence: frameshift variant. On other transcripts: non-coding transcript variant (4), intron variant (3).
Genome position (GRCh38, 1-based): chrX:72,567,962, C deleted on the plus strand (G on the coding strand, the reverse complement: HDAC8 is on the minus strand). VCF-style (leftmost placement, unchanged base first): chrX-72567961-GC-G. GRCh37 (hg19) VCF-style: chrX-71787811-GC-G.
Other names: c.364del, p.Ala122fs (NM_001166419.2, NM_001166420.2, NM_001166422.2 and 5 more transcripts); c.164+4095del (NM_001166418.2, NM_001410728.1, NM_001166448.2); short protein forms A122fs.
Identifiers: ClinVar variation 4846805 (VCV004846805.1).

ClinVar aggregate classification (germline): Likely pathogenic (1 of 4 stars; one submission).

Conditions:
Cornelia de Lange syndrome 5 (CDLS5). Also called: HDAC8-Related Cornelia de Lange Syndrome. Identifiers: Orphanet 199, MedGen C3550903, MONDO:0010471, OMIM 300882.

Submission:

Laboratorio de Genetica e Diagnostico Molecular, Hospital Israelita Albert Einstein
Classification: Likely pathogenic for Cornelia de Lange syndrome 5. Last evaluated: 2026-01-20. Review status: criteria provided, single submitter. Criteria: ACMG Guidelines, 2015. Collection method: clinical testing. Allele origin: germline. Affected: yes.
Comment: ACMG classification criteria: PVS1 very strong, PM2 supporting